The following is an entry in ClinVar:

NM_012281.3(KCND2):c.692_694del (p.Cys231del)

Gene: KCND2 (potassium voltage-gated channel subfamily D member 2; plus strand). Cytogenetic location: 7q31.31.
Variant type: Deletion.
Coding change: c.692_694del on transcript NM_012281.3 (MANE Select); coding-DNA positions 692 to 694, 3 bases deleted (GCT; older notation c.692_694delGCT).
Protein change: p.Cys231del; deletes cysteine 231.
Molecular consequence: inframe deletion.
Genome position (GRCh38, 1-based): chr7:120,275,324-120,275,326, GCT deleted; deleting any 3 consecutive bases within chr7:120,275,322-120,275,326 gives the same sequence; the c. name uses the placement nearest the transcript's 3' end. VCF-style (leftmost placement, unchanged base first): chr7-120275321-TCTG-T. GRCh37 (hg19) VCF-style: chr7-119915375-TCTG-T.
Other names: short protein forms C231del.
Identifiers: ClinVar variation 2022023 (VCV002022023.4), dbSNP rs2546907463, ClinGen allele CA2580076392.
Genomic context (GRCh38, chr7:120,275,321, plus strand): 5'-GATCAAGCCCAGGTCACATTAAAGAACTGCCCTGTGGAGAGCGGTATGCTGTGGCCTTCT[TCTG>T]CTTGGACACGGCCTGCGTCATGATCTTCACAGTTGAGTATTTGCTTCGCCTGGCTGCAGC-3'

ClinVar aggregate classification (germline): Uncertain significance (1 of 4 stars; one submission).

Conditions:
Early Myoclonic Encephalopathy. Identifiers: MedGen C0270855.

Submission:

Labcorp Genetics (formerly Invitae), Labcorp
Classification: Uncertain significance for Early Myoclonic Encephalopathy. Last evaluated: 2021-12-01. Review status: criteria provided, single submitter. Criteria: Invitae Variant Classification Sherloc (09022015). Collection method: clinical testing. Allele origin: germline.
Comment: In summary, the available evidence is currently insufficient to determine the role of this variant in disease. Therefore, it has been classified as a Variant of Uncertain Significance. Experimental studies and prediction algorithms are not available or were not evaluated, and the functional significance of this variant is currently unknown. This variant has not been reported in the literature in individuals affected with KCND2-related conditions. This variant is not present in population databases (gnomAD no frequency). This variant, c.692_694del, results in the deletion of 1 amino acid(s) of the KCND2 protein (p.Cys231del), but otherwise preserves the integrity of the reading frame.